The following is an entry in ClinVar:

NM_001384732.1(CPLANE1):c.9063C>A (p.Tyr3021Ter)

Gene: CPLANE1 (ciliogenesis and planar polarity effector complex subunit 1; minus strand). Cytogenetic location: 5p13.2.
Variant type: single nucleotide variant.
Coding change: c.9063C>A on transcript NM_001384732.1 (MANE Select); coding-DNA position 9063, C replaced by A.
Protein change: p.Tyr3021Ter; replaces tyrosine 3021 with a stop codon.
Molecular consequence: nonsense.
Genome position (GRCh38, 1-based): chr5:37,121,739, G>T on the plus strand (C>A on the coding strand, the complement: CPLANE1 is on the minus strand). VCF-style: chr5-37121739-G-T. GRCh37 (hg19) VCF-style: chr5-37121841-G-T.
Other names: c.8901C>A, p.Tyr2967Ter (NM_023073.4); short protein forms Y2967*, Y3021*.
Identifiers: ClinVar variation 1077152 (VCV001077152.2), dbSNP rs377142277, ClinGen allele CA359495964.
Genomic context (GRCh38, chr5:37,121,739, plus strand): 5'-TGGTTTCTGTGGTAGAGTTGGTAGCTGTACTGACTCAGATAACAGTTCATTCATCAGACC[G>T]TACGCTTGTGAGATTCGACGACTATAGTGTTCAGAGAGCAGCAATCTGTAGACAAAGAAT-3'

ClinVar aggregate classification (germline): Pathogenic (0 of 4 stars; one submission).

Conditions:
Joubert syndrome 1 (JBTS1). Also called: Cerebellooculorenal syndrome 1; CEREBELLOPARENCHYMAL DISORDER IV. Identifiers: MedGen C4551568, MONDO:0008944, OMIM 213300.

Submission:

Department of Neurology, Linyi People’s Hospital, The Eleventh Clinical Medical College of Qingdao University
Classification: Pathogenic for Joubert syndrome 1. Last evaluated: 2021-01-02. Review status: no assertion criteria provided. Collection method: research. Allele origin: inherited. Inheritance: Autosomal recessive inheritance. Affected: yes. Observed: 1 variant allele, 1 compound heterozygote.
Comment: A novel nonsense mutation c.8901C>A (p.Tyr2967*) occurred in exon 48 of the transcript NM_023073.3 of CPLANE1, resulted in substitution from C to A at 8901 nucleotide and then caused the 2967th amino acid of the encoded protein to be mutated from tyrosine to a stop codon (Fig.3B), which may cause loss-of-function, as the mutation is located in the last 10% of the coding region, it may cause protein truncation or activate degradation of the mRNA of CPLANE1 via nonsense mediation, thereby affecting the function of the CPLANE1protein product (PVS1_PM4). This variant inherited from his mother was not detected in the normal population database (PM2); in the trans position, the pathogenic variant c.8901C>A (p.Tyr2967*) has been detected (PM3). According to the 2015 ACMG guidelines, this variant is defined as a likely pathogenic variant (PVS1_PM4+PM2+PM3).